The following is an entry in ClinVar:

ClinVar aggregate classification (germline): Uncertain significance (1 of 4 stars; one submission).

Allele frequency attached by ClinVar (database versions not stated): gnomAD exomes 0.00004; gnomAD 0.00005 and 0.00006; TOPMed 0.00005; ExAC 0.00008; ESP Exome Variant Server 0.00015; 1000 Genomes Project 30x 0.00016; 1000 Genomes Project 0.00020.
gnomAD v4.1: 72 of 1,614,034 alleles (0.0045%); highest among the groups gnomAD compares: Middle Eastern, 0.016%; no homozygotes.

Submission:

Labcorp Genetics (formerly Invitae), Labcorp
Classification: Uncertain significance. Last evaluated: 2024-12-02. Review status: criteria provided, single submitter. Criteria: Invitae Variant Classification Sherloc (09022015). Collection method: clinical testing. Allele origin: germline.
Comment: This sequence change replaces alanine, which is neutral and non-polar, with valine, which is neutral and non-polar, at codon 623 of the ZNF341 protein (p.Ala623Val). This variant is present in population databases (rs199699262, gnomAD 0.008%). This variant has not been reported in the literature in individuals affected with ZNF341-related conditions. ClinVar contains an entry for this variant (Variation ID: 1417204). An algorithm developed to predict the effect of missense changes on protein structure and function (PolyPhen-2) suggests that this variant is likely to be disruptive. In summary, the available evidence is currently insufficient to determine the role of this variant in disease. Therefore, it has been classified as a Variant of Uncertain Significance.

NM_001282933.2(ZNF341):c.1889C>T (p.Ala630Val)

Genes: ZNF341 (zinc finger protein 341; plus strand), ZNF341-AS1 (ZNF341 antisense RNA 1; minus strand). Cytogenetic location: 20q11.22.
Variant type: single nucleotide variant.
Coding change: c.1889C>T on transcript NM_001282933.2 (MANE Select); coding-DNA position 1889, C replaced by T.
Protein change: p.Ala630Val; replaces alanine 630 with valine.
Molecular consequence: missense variant. On other transcripts: non-coding transcript variant (1).
Genome position (GRCh38, 1-based): chr20:33,788,899, C>T. VCF-style: chr20-33788899-C-T. GRCh37 (hg19) VCF-style: chr20-32376705-C-T.
Other names: c.1619C>T, p.Ala540Val (NM_001282935.2); c.1868C>T, p.Ala623Val (NM_032819.5); short protein forms A540V, A623V, A630V.
Identifiers: ClinVar variation 1417204 (VCV001417204.4), dbSNP rs199699262, ClinGen allele CA9819610.
Genomic context (GRCh38, chr20:33,788,899, plus strand): 5'-TCTCCCTGTCTGTGTCTGCTGCAGGTGAGAAGCCCTACAAATGCTCAGTGTGCGAGTCTG[C>T]GTTCAACCGCAAGGACAAACTGAAGAGACACATGTTGATCCACGAGCCCTTCAAGAAATA-3'
Protein context (NP_001269862.1, residues 620-640): KPYKCSVCES[Ala630Val]FNRKDKLKRH